The following is an entry in ClinVar:

ClinVar aggregate classification (germline): Uncertain significance (1 of 4 stars; one submission).

Conditions:
Hereditary cancer-predisposing syndrome. Also called: Neoplastic Syndromes, Hereditary; Tumor predisposition; Hereditary Cancer Syndrome; Hereditary neoplastic syndrome. Identifiers: Orphanet 140162, MedGen C0027672, MeSH D009386, MONDO:0015356.

Submission:

Ambry Genetics
Classification: Uncertain significance for Hereditary cancer-predisposing syndrome. Last evaluated: 2025-10-16. Review status: criteria provided, single submitter. Criteria: Ambry Variant Classification Scheme 2023. Collection method: clinical testing. Allele origin: germline.
Comment: The p.G34V variant (also known as c.101G>T), located in coding exon 2 of the BLM gene, results from a G to T substitution at nucleotide position 101. The glycine at codon 34 is replaced by valine, an amino acid with dissimilar properties. This amino acid position is conserved. In addition, this alteration is predicted to be tolerated by in silico analysis. Based on the available evidence, the clinical significance of this variant remains unclear.

NM_000057.4(BLM):c.101G>T (p.Gly34Val)

Gene: BLM (BLM RecQ like helicase; plus strand). Cytogenetic location: 15q26.1.
Variant type: single nucleotide variant.
Coding change: c.101G>T on transcript NM_000057.4 (MANE Select); coding-DNA position 101, G replaced by T.
Protein change: p.Gly34Val; replaces glycine 34 with valine.
Molecular consequence: missense variant. On other transcripts: 5 prime UTR variant (1).
Genome position (GRCh38, 1-based): chr15:90,749,369, G>T. VCF-style: chr15-90749369-G-T. GRCh37 (hg19) VCF-style: chr15-91292599-G-T.
Other names: c.101G>T, p.Gly34Val (NM_001287246.2, NM_001287247.2); c.-1191G>T (NM_001287248.2); short protein forms G34V.
Identifiers: ClinVar variation 4622671 (VCV004622671.1).